The following is an entry in ClinVar:

ClinVar aggregate classification (germline): Pathogenic/Likely pathogenic. Review status: criteria provided, multiple submitters, no conflicts (2 of 4 stars). 7 submissions from 7 submitters: Pathogenic (5); Likely pathogenic (1). 1 of the submissions does not count toward it. Last evaluated 2025-12-31.

Conditions:
Wilson disease (WND). Also called: Wilson's disease. Identifiers: Orphanet 905, MedGen C0019202, MONDO:0010200, OMIM 277900. Disease mechanism: loss of function.

Allele frequency attached by ClinVar (database versions not stated): gnomAD exomes below 0.00001 and 0.00001; ExAC 0.00002; ESP Exome Variant Server 0.00008.
gnomAD v4.1: 3 of 1,614,194 alleles (0.00019%); highest among the groups gnomAD compares: Non-Finnish European, 0.00025%; no homozygotes.

Submissions (7):

Labcorp Genetics (formerly Invitae), Labcorp
Classification: Pathogenic for Wilson disease. Last evaluated: 2025-12-31. Review status: criteria provided, single submitter. Criteria: Invitae Variant Classification Sherloc (09022015). Collection method: clinical testing. Allele origin: germline.
Comment: This sequence change replaces glutamic acid, which is acidic and polar, with lysine, which is basic and polar, at codon 1064 of the ATP7B protein (p.Glu1064Lys). This variant is present in population databases (rs376910645, gnomAD 0.002%). This missense change has been observed in individual(s) with Wilson disease (PMID: 8533760, 15571607, 17272994). In at least one individual the data is consistent with being in trans (on the opposite chromosome) from a pathogenic variant. This variant is also known as p.Glu1065Lys. ClinVar contains an entry for this variant (Variation ID: 550969). Invitae Evidence Modeling of protein sequence and biophysical properties (such as structural, functional, and spatial information, amino acid conservation, physicochemical variation, residue mobility, and thermodynamic stability) indicates that this missense variant is expected to disrupt ATP7B protein function with a positive predictive value of 80%. Experimental studies have shown that this missense change affects ATP7B function (PMID: 18203200, 22240481). This variant disrupts the p.Glu1064 amino acid residue in ATP7B. Other variant(s) that disrupt this residue have been determined to be pathogenic (PMID: 15205462, 15723329). This suggests that this residue is clinically significant, and that variants that disrupt this residue are likely to be disease-causing. For these reasons, this variant has been classified as Pathogenic.

Fulgent Genetics
Classification: Pathogenic for Wilson disease. Last evaluated: 2024-02-17. Review status: criteria provided, single submitter. Criteria: ACMG Guidelines, 2015. Collection method: clinical testing. Allele origin: germline.

ARUP Laboratories, Molecular Genetics and Genomics, ARUP Laboratories
Classification: Pathogenic for Wilson disease. Last evaluated: 2023-10-13. Review status: criteria provided, single submitter. Criteria: ARUP Molecular Germline Variant Investigation Process 2024. Collection method: clinical testing. Allele origin: germline.
Comment: The ATP7B c.3190G>A; p.Glu1064Lys variant (rs376910645) is reported in the literature in multiple individuals affected with Wilson disease (Balashova 2020, Figus 1995, Firneisz 2004). This variant is also reported in ClinVar (Variation ID: 550969). This variant is only observed on one allele in the Genome Aggregation Database, indicating it is not a common polymorphism. Additionally, another amino acid substitution at this codon (c.3191A>C; p.Glu1064Ala) has been reported in individuals with Wilson disease and is considered pathogenic (Ala 2005, Morgan 2004, Shah 1997). Functional analyses of the variant protein show that transport activity is ablated (Huster 2012, His 2008). Computational analyses predict that this variant is deleterious (REVEL: 0.958). Based on available information, this variant is considered to be pathogenic. References: Ala A et al. Wilson disease in septuagenarian siblings: Raising the bar for diagnosis. Hepatology. 2005 Mar;41(3):668-70. PMID: 15723329. Balashova MS et al. The spectrum of pathogenic variants of the ATP7B gene in Wilson disease in the Russian Federation. J Trace Elem Med Biol. 2020 May;59:126420. PMID: 31708252. Figus A et al. Molecular pathology and haplotype analysis of Wilson disease in Mediterranean populations. Am J Hum Genet. 1995 Dec;57(6):1318-24. PMID: 8533760. Firneisz G et al. The other mutation is found: follow-up of an exceptional family with Wilson disease. Am J Gastroenterol. 2004 Dec;99(12):2504-5. PMID: 15571607. Huster D et al. Diverse functional properties of Wilson disease ATP7B variants. Gastroenterology. 2012 Apr;142(4):947-956.e5. PMID: 22240481. Hsi G et al. Sequence variation in the ATP-binding domain of the Wilson disease transporter, ATP7B, affects copper transport in a yeast model system. Hum Mutat. 2008 Apr;29(4):491-501. PMID: 18203200. Morgan CT et al. The distinct functional properties of the nucleotide-binding domain of ATP7B, the human copper-transporting ATPase: analysis of the Wilson disease mutations E1064A, H1069Q, R1151H, and C1104F. J Biol Chem. 2004 Aug 27;279(35):36363-71. PMID: 15205462. Shah et al. Identification and analysis of mutations in the Wilson disease gene (ATP7B): population frequencies, genotype-phenotype correlation, and functional analyses. Am J Hum Genet. 1997 Aug;61(2):317-28. PMID: 9311736.

Genome-Nilou Lab
Classification: Likely pathogenic for Wilson disease. Last evaluated: 2021-08-10. Review status: criteria provided, single submitter. Criteria: ACMG Guidelines, 2015. Collection method: clinical testing. Allele origin: germline. Affected: no.

Mayo Clinic Laboratories, Mayo Clinic
Classification: Pathogenic. Last evaluated: 2019-10-08. Review status: criteria provided, single submitter. Criteria: ACMG Guidelines, 2015. Collection method: clinical testing. Allele origin: germline. Observed: 1 variant allele.
Comment: PS3, PS4_moderate, PM2, PP1, PP3

CENTOGENE GmbH and LLC - Guiding Precision Medicine
Classification: Pathogenic for Wilson disease. Last evaluated: 2019-04-18. Review status: criteria provided, single submitter. Criteria: ACMG Guidelines, 2015. Collection method: clinical testing. Allele origin: germline. Affected: yes.

Counsyl
Classification: Likely pathogenic for Wilson disease. Last evaluated: 2017-03-06. Review status: no assertion criteria provided. Collection method: clinical testing. Allele origin: unknown. Not counted in ClinVar's aggregate classification.

Literature cited by the submitters: PubMed 8533760 (cited by 3 submitters); PubMed 15571607 (cited by 3 submitters); PubMed 17272994 (cited by 3 submitters); PubMed 18203200 (cited by 3 submitters); PubMed 22240481 (cited by 3 submitters); PubMed 15205462 (cited by Labcorp Genetics (formerly Invitae), Labcorp); PubMed 15723329 (cited by Labcorp Genetics (formerly Invitae), Labcorp); PubMed 15967699 (cited by Mayo Clinic Laboratories, Mayo Clinic and Counsyl); PubMed 10994503 (cited by Mayo Clinic Laboratories, Mayo Clinic); PubMed 17949296 (cited by Mayo Clinic Laboratories, Mayo Clinic); PubMed 16234011 (cited by Mayo Clinic Laboratories, Mayo Clinic); PubMed 22484412 (cited by Counsyl); PubMed 17154398 (cited by Counsyl); PubMed 23789284 (cited by Counsyl).

NM_000053.4(ATP7B):c.3190G>A (p.Glu1064Lys)

Gene: ATP7B (ATPase copper transporting beta; minus strand). Cytogenetic location: 13q14.3.
Variant type: single nucleotide variant.
Coding change: c.3190G>A on transcript NM_000053.4 (MANE Select); coding-DNA position 3190, G replaced by A.
Protein change: p.Glu1064Lys; replaces glutamic acid 1064 with lysine.
Molecular consequence: missense variant.
Genome position (GRCh38, 1-based): chr13:51,944,162, C>T on the plus strand (G>A on the coding strand, the complement: ATP7B is on the minus strand). VCF-style: chr13-51944162-C-T. GRCh37 (hg19) VCF-style: chr13-52518298-C-T.
Other names: c.2569G>A, p.Glu857Lys (NM_001005918.3); c.2857G>A, p.Glu953Lys (NM_001243182.2); c.2956G>A, p.Glu986Lys (NM_001330578.2); c.2938G>A, p.Glu980Lys (NM_001330579.2); short protein forms E1064K, E980K, E857K, E986K, E953K.
Identifiers: ClinVar variation 550969 (VCV000550969.17), dbSNP rs376910645, ClinGen allele CA6988782.